The following is an entry in ClinVar:

NM_001378452.1(ITPR1):c.5341C>T (p.Pro1781Ser)

Gene: ITPR1 (inositol 1,4,5-trisphosphate receptor type 1; plus strand). Cytogenetic location: 3p26.1.
Variant type: single nucleotide variant.
Coding change: c.5341C>T on transcript NM_001378452.1 (MANE Select); coding-DNA position 5341, C replaced by T.
Protein change: p.Pro1781Ser; replaces proline 1781 with serine.
Molecular consequence: missense variant.
Genome position (GRCh38, 1-based): chr3:4,733,208, C>T. VCF-style: chr3-4733208-C-T. GRCh37 (hg19) VCF-style: chr3-4774892-C-T.
Other names: c.5197C>T, p.Pro1733Ser (NM_001099952.4); c.5296C>T, p.Pro1766Ser (NM_001168272.2); c.5152C>T, p.Pro1718Ser (NM_002222.7); short protein forms P1718S, P1781S, P1733S, P1766S.
Identifiers: ClinVar variation 1905881 (VCV001905881.5), dbSNP rs2043048276, ClinGen allele CA351638833.

ClinVar aggregate classification (germline): Uncertain significance (1 of 4 stars; one submission).

Allele frequency attached by ClinVar (database versions not stated): gnomAD exomes below 0.00001.
gnomAD v4.1: 1 of 1,613,978 alleles (0.000062%); highest among the groups gnomAD compares: Admixed American, 0.0017%; no homozygotes.

Submission:

Labcorp Genetics (formerly Invitae), Labcorp
Classification: Uncertain significance. Last evaluated: 2024-04-30. Review status: criteria provided, single submitter. Criteria: Invitae Variant Classification Sherloc (09022015). Collection method: clinical testing. Allele origin: germline.
Comment: This sequence change replaces proline, which is neutral and non-polar, with serine, which is neutral and polar, at codon 1718 of the ITPR1 protein (p.Pro1718Ser). This variant is not present in population databases (gnomAD no frequency). This variant has not been reported in the literature in individuals affected with ITPR1-related conditions. ClinVar contains an entry for this variant (Variation ID: 1905881). Advanced modeling of protein sequence and biophysical properties (such as structural, functional, and spatial information, amino acid conservation, physicochemical variation, residue mobility, and thermodynamic stability) performed at Invitae indicates that this missense variant is not expected to disrupt ITPR1 protein function with a negative predictive value of 95%. In summary, the available evidence is currently insufficient to determine the role of this variant in disease. Therefore, it has been classified as a Variant of Uncertain Significance.